The following is an entry in ClinVar:

ClinVar aggregate classification (germline): Uncertain significance (1 of 4 stars; one submission).

Conditions:
Charcot-Marie-Tooth disease type 2R. Also called: Charcot-Marie-Tooth disease, axonal, type 2R; CHARCOT-MARIE-TOOTH NEUROPATHY, TYPE 2R; CHARCOT-MARIE-TOOTH DISEASE, AXONAL, AUTOSOMAL RECESSIVE, TYPE 2R. Identifiers: Orphanet 397968, MedGen C3809655, MONDO:0014208, OMIM 615490.

Allele frequency attached by ClinVar (database versions not stated): TOPMed below 0.00001; gnomAD exomes 0.00003 and 0.00005; ExAC 0.00010.
gnomAD v4.1: 38 of 1,612,952 alleles (0.0024%); highest among the groups gnomAD compares: Non-Finnish European, 0.0031%; no homozygotes.

Submission:

Labcorp Genetics (formerly Invitae), Labcorp
Classification: Uncertain significance for Charcot-Marie-Tooth disease type 2R. Last evaluated: 2023-08-02. Review status: criteria provided, single submitter. Criteria: Invitae Variant Classification Sherloc (09022015). Collection method: clinical testing. Allele origin: germline.
Comment: An algorithm developed to predict the effect of missense changes on protein structure and function (PolyPhen-2) suggests that this variant is likely to be disruptive. In summary, the available evidence is currently insufficient to determine the role of this variant in disease. Therefore, it has been classified as a Variant of Uncertain Significance. ClinVar contains an entry for this variant (Variation ID: 941206). This variant has not been reported in the literature in individuals affected with TRIM2-related conditions. This variant is present in population databases (rs752837955, gnomAD 0.01%). This sequence change replaces glutamine, which is neutral and polar, with histidine, which is basic and polar, at codon 160 of the TRIM2 protein (p.Gln160His).

NM_015271.5(TRIM2):c.561G>T (p.Gln187His)

Gene: TRIM2 (tripartite motif containing 2; plus strand). Cytogenetic location: 4q31.3.
Variant type: single nucleotide variant.
Coding change: c.561G>T on transcript NM_015271.5 (MANE Select); coding-DNA position 561, G replaced by T.
Protein change: p.Gln187His; replaces glutamine 187 with histidine.
Molecular consequence: missense variant. On other transcripts: intron variant (2).
Genome position (GRCh38, 1-based): chr4:153,293,089, G>T. VCF-style: chr4-153293089-G-T. GRCh37 (hg19) VCF-style: chr4-154214241-G-T.
Other names: c.480G>T, p.Gln160His (NM_001130067.2, NM_001351056.2, NM_001375512.1 and 5 more transcripts); c.534G>T, p.Gln178His (NM_001351054.2); c.531G>T, p.Gln177His (NM_001351055.2); c.105G>T, p.Gln35His (NM_001351057.2); c.654G>T, p.Gln218His (NM_001375488.1); c.651G>T, p.Gln217His (NM_001375489.1); c.561G>T, p.Gln187His (NM_001375490.1); c.558G>T, p.Gln186His (NM_001375491.1); and 3 more; short protein forms Q160H, Q178H, Q186H, Q187H, Q217H, Q218H, Q74H, Q35H.
Identifiers: ClinVar variation 941206 (VCV000941206.9), dbSNP rs752837955, ClinGen allele CA3108571.